The following is an entry in ClinVar:

NM_001927.4(DES):c.367A>G (p.Ile123Val)

Gene: DES (desmin; plus strand). Cytogenetic location: 2q35.
Variant type: single nucleotide variant.
Coding change: c.367A>G on transcript NM_001927.4 (MANE Select); coding-DNA position 367, A replaced by G.
Protein change: p.Ile123Val; replaces isoleucine 123 with valine.
Molecular consequence: missense variant.
Genome position (GRCh38, 1-based): chr2:219,418,829, A>G. VCF-style: chr2-219418829-A-G. GRCh37 (hg19) VCF-style: chr2-220283551-A-G.
Other names: c.367A>G, p.Ile123Val (NM_001382708.1, NM_001382709.1, NM_001382710.1 and 3 more transcripts); short protein forms I123V.
Identifiers: ClinVar variation 955639 (VCV000955639.7), dbSNP rs376048590, ClinGen allele CA2125057.

ClinVar aggregate classification (germline): Uncertain significance. Review status: criteria provided, multiple submitters, no conflicts (2 of 4 stars). 2 submissions from 2 submitters: Uncertain significance (2). Last evaluated 2025-08-01.

Conditions:
Cardiovascular phenotype. Identifiers: MedGen CN230736.
Desmin-related myofibrillar myopathy (MFM1). Also called: Desminopathy; Desmin related myopathy (former name); Desmin storage myopathy (former name); MYOFIBRILLAR MYOPATHY WITH ARRHYTHMOGENIC RIGHT VENTRICULAR CARDIOMYOPATHY; DESMIN-RELATED MYOPATHY WITH ARRHYTHMOGENIC RIGHT VENTRICULAR CARDIOMYOPATHY; Myofibrillar myopathy 1. Identifiers: Orphanet 363543, Orphanet 98909, MedGen C1832370, MONDO:0011076, OMIM 601419.

Allele frequency attached by ClinVar (database versions not stated): gnomAD exomes 0.00001; TOPMed 0.00002; gnomAD 0.00003; ExAC 0.00004; ESP Exome Variant Server 0.00008.
gnomAD v4.1: 12 of 1,582,138 alleles (0.00076%); highest among the groups gnomAD compares: Non-Finnish European, 0.00095%; no homozygotes.

Submissions (2):

Labcorp Genetics (formerly Invitae), Labcorp
Classification: Uncertain significance for Desmin-related myofibrillar myopathy. Last evaluated: 2025-08-01. Review status: criteria provided, single submitter. Criteria: Invitae Variant Classification Sherloc (09022015). Collection method: clinical testing. Allele origin: germline.
Comment: This sequence change replaces isoleucine, which is neutral and non-polar, with valine, which is neutral and non-polar, at codon 123 of the DES protein (p.Ile123Val). This variant is present in population databases (rs376048590, gnomAD 0.004%). This variant has not been reported in the literature in individuals affected with DES-related conditions. ClinVar contains an entry for this variant (Variation ID: 955639). Invitae Evidence Modeling of protein sequence and biophysical properties (such as structural, functional, and spatial information, amino acid conservation, physicochemical variation, residue mobility, and thermodynamic stability) has been performed for this missense variant. However, the output from this modeling did not meet the statistical confidence thresholds required to predict the impact of this variant on DES protein function. Experimental studies have shown that this missense change does not substantially affect DES function (PMID: 36497166). In summary, the available evidence is currently insufficient to determine the role of this variant in disease. Therefore, it has been classified as a Variant of Uncertain Significance.

Molecular Diagnostic Laboratory for Inherited Cardiovascular Disease, Montreal Heart Institute
Classification: Uncertain significance for Cardiovascular phenotype. Last evaluated: 2025-04-09. Review status: criteria provided, single submitter. Criteria: ACMG Guidelines, 2015. Collection method: clinical testing. Allele origin: germline. Affected: yes.
Comment: PM2;PP3

Literature cited by the submitters: PubMed 36497166 (cited by Labcorp Genetics (formerly Invitae), Labcorp).